The following is an entry in ClinVar:

ClinVar aggregate classification (germline): Benign (1 of 4 stars; one submission).

Conditions:
Familial adenomatous polyposis 1 (FAP1). Also called: POLYPOSIS, ADENOMATOUS INTESTINAL; FAMILIAL ADENOMATOUS POLYPOSIS 1, ATTENUATED. Identifiers: MedGen C2713442, MONDO:0021056, OMIM 175100. Disease mechanism: loss of function.

gnomAD v4.1: 1 of 1,613,672 alleles (0.000062%); no homozygotes.

Submission:

Myriad Genetics, Inc.
Classification: Benign for Familial adenomatous polyposis 1. Last evaluated: 2024-02-22. Review status: criteria provided, single submitter. Criteria: Myriad Autosomal Dominant, Autosomal Recessive and X-Linked Classification Criteria (2023). Collection method: clinical testing. Allele origin: unknown.
Comment: This variant is considered benign. This variant is a silent/synonymous amino acid change and it is not expected to impact splicing.

NM_000038.6(APC):c.93C>T (p.Ser31=)

Gene: APC (APC regulator of Wnt signaling pathway; plus strand). Cytogenetic location: 5q22.2.
Variant type: single nucleotide variant.
Coding change: c.93C>T on transcript NM_000038.6 (MANE Select); coding-DNA position 93, C replaced by T.
Protein change: p.Ser31=; no amino-acid change (serine 31 retained).
Molecular consequence: synonymous variant. On other transcripts: 5 prime UTR variant (4), non-coding transcript variant (2), intron variant (11).
Genome position (GRCh38, 1-based): chr5:112,754,983, C>T. VCF-style: chr5-112754983-C-T. GRCh37 (hg19) VCF-style: chr5-112090680-C-T.
Other names: c.93C>T, p.Ser31= (NM_001127510.3, NM_001354895.2, NM_001354896.2 and 16 more transcripts); c.-943C>T (NM_001354906.2, NM_001407470.1, NM_001407471.1 and 1 more transcripts); c.166-11343C>T (NM_001407446.1, NM_001354897.2, NM_001354902.2 and 1 more transcripts); c.-42-11343C>T (NM_001407453.1, NM_001354900.2, NM_001354901.2 and 1 more transcripts); c.61-11343C>T (NM_001407451.1, NM_001354898.2, NM_001354904.2).
Identifiers: ClinVar variation 3148830 (VCV003148830.1), dbSNP rs2149738329, ClinGen allele CA445752542.